The following is an entry in ClinVar:

NM_000535.7(PMS2):c.1936A>T (p.Arg646Trp)

Gene: PMS2 (PMS1 homolog 2, mismatch repair system component; minus strand). Cytogenetic location: 7p22.1.
Variant type: single nucleotide variant.
Coding change: c.1936A>T on transcript NM_000535.7 (MANE Select); coding-DNA position 1936, A replaced by T.
Protein change: p.Arg646Trp; replaces arginine 646 with tryptophan.
Molecular consequence: missense variant. On other transcripts: non-coding transcript variant (1).
Genome position (GRCh38, 1-based): chr7:5,986,829, T>A on the plus strand (A>T on the coding strand, the complement: PMS2 is on the minus strand). VCF-style: chr7-5986829-T-A. GRCh37 (hg19) VCF-style: chr7-6026460-T-A.
Other names: c.1531A>T, p.Arg511Trp (NM_001322003.2, NM_001322004.2, NM_001322005.2 and 1 more transcripts); c.1780A>T, p.Arg594Trp (NM_001322006.2); c.1618A>T, p.Arg540Trp (NM_001322007.2, NM_001322008.2); c.1375A>T, p.Arg459Trp (NM_001322010.2); c.1003A>T, p.Arg335Trp (NM_001322011.2, NM_001322012.2); c.1363A>T, p.Arg455Trp (NM_001322013.2); c.1936A>T, p.Arg646Trp (NM_001322014.2); c.1627A>T, p.Arg543Trp (NM_001322015.2); short protein forms R455W, R459W, R511W, R540W, R594W, R335W, R543W, R646W.
Identifiers: ClinVar variation 966047 (VCV000966047.12), dbSNP rs369582237, ClinGen allele CA366739170.
Genomic context (GRCh38, chr7:5,986,829, plus strand): 5'-TTCTTAGTTCATCTTCGGCTGCTTGATTTTCTCCAGGACAAATCTTTGCCCTAAACTTCC[T>A]GTAATTCTGTTCCCCTTCACTTTGCTGTGCTTCATGATGTAACTGCTTTATTCGTTTAGC-3'
Protein context (NP_000526.2, residues 636-656): AQQSEGEQNY[Arg646Trp]KFRAKICPGE

ClinVar aggregate classification (germline): Uncertain significance. Review status: criteria provided, multiple submitters, no conflicts (2 of 4 stars). 2 submissions from 2 submitters: Uncertain significance (2). Last evaluated 2021-02-26.

Conditions:
Hereditary cancer-predisposing syndrome. Also called: Hereditary neoplastic syndrome; Neoplastic Syndromes, Hereditary; Hereditary Cancer Syndrome; Tumor predisposition. Identifiers: Orphanet 140162, MedGen C0027672, MeSH D009386, MONDO:0015356.
Hereditary nonpolyposis colorectal neoplasms. Identifiers: MedGen C0009405, MeSH D003123.

Submissions (2):

Color Diagnostics, LLC DBA Color Health
Classification: Uncertain significance for Hereditary cancer-predisposing syndrome. Last evaluated: 2021-02-26. Review status: criteria provided, single submitter. Criteria: ACMG Guidelines, 2015. Collection method: clinical testing. Allele origin: germline.
Comment: This missense variant replaces arginine with tryptophan at codon 646 of the PMS2 protein. Computational prediction suggests that this variant may not impact protein structure and function (internally defined REVEL score threshold <= 0.5, PMID: 27666373). To our knowledge, functional studies have not been reported for this variant. This variant has not been reported in individuals affected with hereditary cancer in the literature. This variant has not been identified in the general population by the Genome Aggregation Database (gnomAD). The available evidence is insufficient to determine the role of this variant in disease conclusively. Therefore, this variant is classified as a Variant of Uncertain Significance.

Labcorp Genetics (formerly Invitae), Labcorp
Classification: Uncertain significance for Hereditary nonpolyposis colorectal neoplasms. Last evaluated: 2019-10-27. Review status: criteria provided, single submitter. Criteria: Invitae Variant Classification Sherloc (09022015). Collection method: clinical testing. Allele origin: germline.
Comment: In summary, the available evidence is currently insufficient to determine the role of this variant in disease. Therefore, it has been classified as a Variant of Uncertain Significance. This variant has not been reported in the literature in individuals with PMS2-related conditions. This variant is not present in population databases (ExAC no frequency). This sequence change replaces arginine with tryptophan at codon 646 of the PMS2 protein (p.Arg646Trp). The arginine residue is moderately conserved and there is a moderate physicochemical difference between arginine and tryptophan. Algorithms developed to predict the effect of missense changes on protein structure and function are either unavailable or do not agree on the potential impact of this missense change (SIFT: "Deleterious"; PolyPhen-2: "Probably Damaging"; Align-GVGD: "Class C15").